The following is an entry in ClinVar:

NM_005557.4(KRT16):c.373A>G (p.Asn125Asp)

Gene: KRT16 (keratin 16; minus strand). Cytogenetic location: 17q21.2.
Variant type: single nucleotide variant.
Coding change: c.373A>G on transcript NM_005557.4 (MANE Select); coding-DNA position 373, A replaced by G.
Protein change: p.Asn125Asp; replaces asparagine 125 with aspartic acid.
Molecular consequence: missense variant.
Genome position (GRCh38, 1-based): chr17:41,612,316, T>C on the plus strand (A>G on the coding strand, the complement: KRT16 is on the minus strand). VCF-style: chr17-41612316-T-C. GRCh37 (hg19) VCF-style: chr17-39768568-T-C.
Other names: short protein forms N125D.
Identifiers: ClinVar variation 66608 (VCV000066608.2), dbSNP rs58608173, ClinGen allele CA217384.
Genomic context (GRCh38, chr17:41,612,316, plus strand): 5'-GGTCGGCGTTGGCCTCCTCCAGAGCACGCACCTTGTCCAGGTAGGAGGCCAGGCGGTCAT[T>C]GAGGTTCTGCATGGTCACCTTCTCACTGCCCACCAGAAGCCCATCACCACCAGCAAAACC-3'
Protein context (NP_005548.2, residues 115-135): GSEKVTMQNL[Asn125Asp]DRLASYLDKV

ClinVar aggregate classification (germline): Pathogenic. Review status: criteria provided, single submitter (1 of 4 stars). 3 submissions from 3 submitters: Pathogenic (1). 2 of the submissions do not count toward it. Last evaluated 2016-01-04.

Conditions:
Pachyonychia congenita 1 (PC1). Also called: KRT16-Related Pachyonychia Congenita; KRT6A-Related Pachyonychia Congenita; Jadassohn Lewandowsky syndrome; PACHYONYCHIA CONGENITA, LATE ONSET. Identifiers: Orphanet 2309, MedGen C1706595, MONDO:0008173, OMIM 167200.

Submissions (3):

GeneDx
Classification: Pathogenic. Last evaluated: 2016-01-04. Review status: criteria provided, single submitter. Criteria: GeneDx Variant Classification (06012015). Collection method: clinical testing. Allele origin: germline. Affected: yes.
Comment: The N125D pathogenic variant has been reported previously in association with pachyonychia congenita (Smith et al., 2005; Fu et al., 2011; Wilson et al., 2014). It was not observed in approximately 6,500 individuals of European and African American ancestry in the NHLBI Exome Sequencing Project, indicating it is not a common benign variant in these populations. N125D is a semi-conservative amino acid substitution, which may impact secondary protein structure as these residues differ in some properties. This substitution occurs within a known hotspot region (helix initiation motif) that is highly conserved across all species and among all members of the keratin family. Many other pathogenic variants in patients with pachyonychia congenita have been reported at the same codon (N125S) and in nearby residues (L124H/R/P, R127C/S/G) according to the Human Gene Mutation Database (Stenson et al., 2014). It is well established that keratin gene variants affecting the residues at the ends of the central rod domains of the keratin proteins (helix initiation and termination motifs) interfere with proper keratin intermediate filament assembly and function, resulting in hyperkeratosis (Chamcheu et al., 2011). Therefore, we consider N125D to be pathogenic.

OMIM
Classification: Pathogenic for PACHYONYCHIA CONGENITA 1. Last evaluated: 2005-10-01. Review status: no assertion criteria provided. Collection method: literature only. Allele origin: germline. Not counted in ClinVar's aggregate classification.

Epithelial Biology;  Institute of Medical Biology, Singapore
No classification provided. Review status: no classification provided. Collection method: not provided. Allele origin: not provided. Not counted in ClinVar's aggregate classification.

Literature cited by the submitters: PubMed 16250206 (cited by OMIM).